The following is an entry in ClinVar:

NM_199420.4(POLQ):c.3138G>T (p.Lys1046Asn)

Gene: POLQ (DNA polymerase theta; minus strand). Cytogenetic location: 3q13.33.
Variant type: single nucleotide variant.
Coding change: c.3138G>T on transcript NM_199420.4 (MANE Select); coding-DNA position 3138, G replaced by T.
Protein change: p.Lys1046Asn; replaces lysine 1046 with asparagine.
Molecular consequence: missense variant.
Genome position (GRCh38, 1-based): chr3:121,489,793, C>A on the plus strand (G>T on the coding strand, the complement: POLQ is on the minus strand). VCF-style: chr3-121489793-C-A. GRCh37 (hg19) VCF-style: chr3-121208640-C-A.
Other names: short protein forms K1046N.
Identifiers: ClinVar variation 3229915 (VCV003229915.1), dbSNP rs2546787764, ClinGen allele CA354101613.

ClinVar aggregate classification (germline): Uncertain significance (1 of 4 stars; one submission).

gnomAD v4.1: 1 of 1,612,872 alleles (0.000062%); highest among the groups gnomAD compares: Non-Finnish European, 0.000085%; no homozygotes.

Submission:

Ambry Genetics
Classification: Uncertain significance. Last evaluated: 2024-01-27. Review status: criteria provided, single submitter. Criteria: Ambry Variant Classification Scheme 2023. Collection method: clinical testing. Allele origin: germline.
Comment: The p.K1046N variant (also known as c.3138G>T), located in coding exon 16 of the POLQ gene, results from a G to T substitution at nucleotide position 3138. The lysine at codon 1046 is replaced by asparagine, an amino acid with similar properties. This amino acid position is conserved. In addition, this alteration is predicted to be tolerated by in silico analysis. Based on the available evidence, the clinical significance of this alteration remains unclear.